The following is an entry in ClinVar:

ClinVar aggregate classification (germline): Uncertain significance (1 of 4 stars; one submission).

Conditions:
ACOX1-related disorder. Also called: ACOX1-related disorders; ACOX1-related condition.

gnomAD v4.1: 4 of 1,614,060 alleles (0.00025%); highest among the groups gnomAD compares: African/African-American, 0.0013%; no homozygotes.

Submission:

PreventionGenetics, part of Exact Sciences
Classification: Uncertain significance for ACOX1-related condition. Last evaluated: 2026-07-28. Review status: criteria provided, single submitter. Criteria: ACMG Guidelines, 2015. Collection method: clinical testing. Allele origin: germline.
Comment: The ACOX1 c.1526G>A variant is predicted to result in the amino acid substitution p.Arg509Lys. To our knowledge, this variant has not been reported in the literature or in a large population database (gnomAD), indicating this variant is rare. At this time, the clinical significance of this variant is uncertain due to the absence of conclusive functional and genetic evidence.

NM_004035.7(ACOX1):c.1526G>A (p.Arg509Lys)

Gene: ACOX1 (acyl-CoA oxidase 1; minus strand). Cytogenetic location: 17q25.1.
Variant type: single nucleotide variant.
Coding change: c.1526G>A on transcript NM_004035.7 (MANE Select); coding-DNA position 1526, G replaced by A.
Protein change: p.Arg509Lys; replaces arginine 509 with lysine.
Molecular consequence: missense variant.
Genome position (GRCh38, 1-based): chr17:75,949,553, C>T on the plus strand (G>A on the coding strand, the complement: ACOX1 is on the minus strand). VCF-style: chr17-75949553-C-T. GRCh37 (hg19) VCF-style: chr17-73945634-C-T.
Other names: c.1412G>A, p.Arg471Lys (NM_001185039.2); c.1526G>A, p.Arg509Lys (NM_007292.6); short protein forms R471K, R509K.
Identifiers: ClinVar variation 4997355 (VCV004997355.1).